The following is an entry in ClinVar:

ClinVar aggregate classification (germline): Likely benign. Review status: criteria provided, multiple submitters, no conflicts (2 of 4 stars). 2 submissions from 2 submitters: Likely benign (2). Last evaluated 2023-08-01.

Allele frequency attached by ClinVar (database versions not stated): gnomAD exomes below 0.00001.
gnomAD v4.1: 3 of 1,551,728 alleles (0.00019%); highest among the groups gnomAD compares: African/African-American, 0.0014%; no homozygotes.

Submissions (2):

CeGaT Center for Human Genetics Tuebingen
Classification: Likely benign. Last evaluated: 2023-08-01. Review status: criteria provided, single submitter. Criteria: CeGaT Center For Human Genetics Tuebingen Variant Classification Criteria Version 2. Collection method: clinical testing. Allele origin: germline. Affected: yes. Observed: 1 variant allele.
Comment: LOXHD1: PM2:Supporting, BP4, BP7

Labcorp Genetics (formerly Invitae), Labcorp
Classification: Likely benign. Last evaluated: 2022-10-10. Review status: criteria provided, single submitter. Criteria: Invitae Variant Classification Sherloc (09022015). Collection method: clinical testing. Allele origin: germline.

NM_001384474.1(LOXHD1):c.369G>A (p.Leu123=)

Gene: LOXHD1 (lipoxygenase homology PLAT domains 1; minus strand). Cytogenetic location: 18q21.1.
Variant type: single nucleotide variant.
Coding change: c.369G>A on transcript NM_001384474.1 (MANE Select); coding-DNA position 369, G replaced by A.
Protein change: p.Leu123=; no amino-acid change (leucine 123 retained).
Molecular consequence: synonymous variant.
Genome position (GRCh38, 1-based): chr18:46,639,758, C>T on the plus strand (G>A on the coding strand, the complement: LOXHD1 is on the minus strand). VCF-style: chr18-46639758-C-T. GRCh37 (hg19) VCF-style: chr18-44219721-C-T.
Other names: c.369G>A, p.Leu123= (NM_144612.7).
Identifiers: ClinVar variation 1586370 (VCV001586370.32), dbSNP rs2144376516, ClinGen allele CA503812031.